The following is an entry in ClinVar:

NM_024675.4(PALB2):c.964G>C (p.Glu322Gln)

Gene: PALB2 (partner and localizer of BRCA2; minus strand). Cytogenetic location: 16p12.2.
Variant type: single nucleotide variant.
Coding change: c.964G>C on transcript NM_024675.4 (MANE Select); coding-DNA position 964, G replaced by C.
Protein change: p.Glu322Gln; replaces glutamic acid 322 with glutamine.
Molecular consequence: missense variant. On other transcripts: intron variant (3).
Genome position (GRCh38, 1-based): chr16:23,635,582, C>G on the plus strand (G>C on the coding strand, the complement: PALB2 is on the minus strand). VCF-style: chr16-23635582-C-G. GRCh37 (hg19) VCF-style: chr16-23646903-C-G.
Other names: c.904G>C, p.Glu302Gln (NM_001407296.1); c.964G>C, p.Glu322Gln (NM_001407297.1, NM_001407298.1, NM_001407299.1 and 3 more transcripts); c.79G>C, p.Glu27Gln (NM_001407304.1, NM_001407305.1, NM_001407306.1 and 5 more transcripts); c.48+5528G>C (NM_001407314.1); c.-104-5113G>C (NM_001407313.1, NM_001407312.1); short protein forms E27Q, E302Q, E322Q.
Identifiers: ClinVar variation 3774411 (VCV003774411.1).

ClinVar aggregate classification (germline): Uncertain significance (1 of 4 stars; one submission).

Conditions:
Hereditary cancer-predisposing syndrome. Also called: Tumor predisposition; Hereditary Cancer Syndrome; Neoplastic Syndromes, Hereditary; Hereditary neoplastic syndrome. Identifiers: Orphanet 140162, MedGen C0027672, MeSH D009386, MONDO:0015356.

Submission:

Molecular Diagnostics Laboratory, Catalan Institute of Oncology
Classification: Uncertain significance for Hereditary cancer-predisposing syndrome. Last evaluated: 2024-10-30. Review status: criteria provided, single submitter. Criteria: ClinGen ACMG Specifications PALB2 V1.0.0. Collection method: clinical testing. Allele origin: germline.
Comment: PM2_Supporting, BP1 c.964G>C, located in exon 4 of the PALB2 gene, is predicted to result in the substitution of glutamic acid by glutamine at codon 322, p.(Glu322Gln). The SpliceAI algorithm predicts no significant impact on splicing and there is a very low likelihood that missense variants are pathogenic in PALB2 (BP1). It is not present in the population database gnomAD v2.1.1, non cancer dataset (PM2_Supporting). To our knowledge, neither relevant clinical data nor well-stablished functional studies have been reported for this variant. This variant has not been identified neither in ClinVar nor in LOVD databases. Based on the currently available information, c.964G>C is classified as an uncertain significance variant according to ClinGen-PALB2 Guidelines version v1.0.0.